The following is an entry in ClinVar:

NM_001042492.3(NF1):c.8001C>A (p.Thr2667=)

Gene: NF1 (neurofibromin 1; plus strand). Cytogenetic location: 17q11.2.
Variant type: single nucleotide variant.
Coding change: c.8001C>A on transcript NM_001042492.3 (MANE Select); coding-DNA position 8001, C replaced by A.
Protein change: p.Thr2667=; no amino-acid change (threonine 2667 retained).
Molecular consequence: synonymous variant.
Genome position (GRCh38, 1-based): chr17:31,358,510, C>A. VCF-style: chr17-31358510-C-A. GRCh37 (hg19) VCF-style: chr17-29685528-C-A.
Other names: c.7938C>A, p.Thr2646= (NM_000267.4).
Identifiers: ClinVar variation 230272 (VCV000230272.12), dbSNP rs876658475, ClinGen allele CA10580429.
Genomic context (GRCh38, chr17:31,358,510, plus strand): 5'-GTTCCTCTGTTGACTTTTTTTTTCTTTTAGGCATAATTTGTTGGACTCTAAGATCAACAC[C>A]CTGTTATCATTGTGCCAAGATCCAAATTTGTTAAATCCAATCCATGGAATTGTGCAGAGT-3'
Protein context (NP_001035957.1, residues 2657-2677): VHNLLDSKIN[Thr2667=]LLSLCQDPNL

ClinVar aggregate classification (germline): Benign/Likely benign. Review status: criteria provided, multiple submitters, no conflicts (2 of 4 stars). 5 submissions from 5 submitters: Benign (1); Likely benign (3). 1 of the submissions does not count toward it. Last evaluated 2026-05-22.

Conditions:
Neurofibromatosis, type 1 (NF1). Also called: NEUROFIBROMATOSIS, TYPE I, SOMATIC; Neurofibromatosis, type I; VON RECKLINGHAUSEN DISEASE; Peripheral type neurofibromatosis. Identifiers: Orphanet 636, MedGen C0027831, MONDO:0018975, OMIM 162200. Disease mechanism: loss of function.
NF1-related disorder. Also called: NF1-related condition. Identifiers: MedGen CN379171.
Hereditary cancer-predisposing syndrome. Also called: Hereditary neoplastic syndrome; Neoplastic Syndromes, Hereditary; Hereditary Cancer Syndrome; Tumor predisposition. Identifiers: Orphanet 140162, MedGen C0027672, MeSH D009386, MONDO:0015356.

gnomAD v4.1: 7 of 1,613,720 alleles (0.00043%); highest among the groups gnomAD compares: South Asian, 0.0077%; no homozygotes.

Submissions (5):

Myriad Genetics, Inc.
Classification: Benign for Neurofibromatosis, type 1. Last evaluated: 2026-05-22. Review status: criteria provided, single submitter. Criteria: Myriad Autosomal Dominant, Autosomal Recessive and X-Linked Classification Criteria (2023). Collection method: clinical testing. Allele origin: unknown.
Comment: This variant is considered benign. This variant is a silent/synonymous amino acid change and it is not expected to impact splicing.

Labcorp Genetics (formerly Invitae), Labcorp
Classification: Likely benign for Neurofibromatosis, type 1. Last evaluated: 2026-01-26. Review status: criteria provided, single submitter. Criteria: Invitae Variant Classification Sherloc (09022015). Collection method: clinical testing. Allele origin: germline.

Genome-Nilou Lab
Classification: Likely benign for Neurofibromatosis, type 1. Last evaluated: 2022-03-15. Review status: criteria provided, single submitter. Criteria: ACMG Guidelines, 2015. Collection method: clinical testing. Allele origin: germline. Affected: no.

Ambry Genetics
Classification: Likely benign for Hereditary cancer-predisposing syndrome. Last evaluated: 2015-10-15. Review status: criteria provided, single submitter. Criteria: Ambry Autosomal Dominant and X-Linked criteria (10/2015). Collection method: clinical testing. Allele origin: germline. Observed: 1 variant allele.

PreventionGenetics, part of Exact Sciences
Classification: Likely benign for NF1-related condition. Last evaluated: 2024-03-11. Review status: no assertion criteria provided. Collection method: clinical testing. Allele origin: germline. Not counted in ClinVar's aggregate classification.
Comment: This variant is classified as likely benign based on ACMG/AMP sequence variant interpretation guidelines (Richards et al. 2015 PMID: 25741868, with internal and published modifications).